The following is an entry in ClinVar:

NM_000051.4(ATM):c.6096-4A>T

Genes: ATM (ATM serine/threonine kinase; plus strand), C11orf65 (chromosome 11 open reading frame 65; minus strand). Cytogenetic location: 11q22.3.
Variant type: single nucleotide variant.
Coding change: c.6096-4A>T on transcript NM_000051.4 (MANE Select); 4 bases into the intron before coding-DNA position 6096, A replaced by T.
Molecular consequence: intron variant.
Genome position (GRCh38, 1-based): chr11:108,316,007, A>T. VCF-style: chr11-108316007-A-T. GRCh37 (hg19) VCF-style: chr11-108186734-A-T.
Other names: c.6096-4A>T (NM_001351834.2); c.641-6936T>A (NM_001330368.2); c.*39-6936T>A (NM_001351110.2).
Identifiers: ClinVar variation 3253772 (VCV003253772.1), dbSNP rs2136126620.

ClinVar aggregate classification (germline): Likely benign (1 of 4 stars; one submission).

Conditions:
Familial cancer of breast. Also called: hereditary breast carcinoma; BREAST CANCER, FAMILIAL; Hereditary breast cancer. Identifiers: Orphanet 227535, MedGen C0346153, MONDO:0016419, OMIM 114480. Disease mechanism: loss of function.

Submission:

Myriad Genetics, Inc.
Classification: Likely benign for Familial cancer of breast. Last evaluated: 2024-06-03. Review status: criteria provided, single submitter. Criteria: Myriad Autosomal Dominant, Autosomal Recessive and X-Linked Classification Criteria (2023). Collection method: clinical testing. Allele origin: unknown.
Comment: This variant is considered likely benign. This variant is intronic and is not expected to impact mRNA splicing.